The following is an entry in ClinVar:

ClinVar aggregate classification (germline): Uncertain significance (1 of 4 stars; one submission).

Conditions:
Methylcobalamin deficiency type cblE (HMAE). Also called: HOMOCYSTINURIA-MEGALOBLASTIC ANEMIA, cblE COMPLEMENTATION TYPE; VITAMIN B12-RESPONSIVE HOMOCYSTINURIA, cblE TYPE; HOMOCYSTINURIA-MEGALOBLASTIC ANEMIA, cblE TYPE. Identifiers: Orphanet 2169, Orphanet 622, MedGen C1856057, MONDO:0009354, OMIM 236270.

Submission:

Labcorp Genetics (formerly Invitae), Labcorp
Classification: Uncertain significance for Methylcobalamin deficiency type cblE. Last evaluated: 2022-02-17. Review status: criteria provided, single submitter. Criteria: Invitae Variant Classification Sherloc (09022015). Collection method: clinical testing. Allele origin: germline.
Comment: This variant has not been reported in the literature in individuals affected with MTRR-related conditions. ClinVar contains an entry for this variant (Variation ID: 1053862). Algorithms developed to predict the effect of missense changes on protein structure and function are either unavailable or do not agree on the potential impact of this missense change (SIFT: "Deleterious"; PolyPhen-2: "Probably Damaging"; Align-GVGD: "Class C0"). In summary, the available evidence is currently insufficient to determine the role of this variant in disease. Therefore, it has been classified as a Variant of Uncertain Significance. This variant is not present in population databases (gnomAD no frequency). This sequence change replaces arginine, which is basic and polar, with threonine, which is neutral and polar, at codon 611 of the MTRR protein (p.Arg611Thr).

NM_002454.3(MTRR):c.1832G>C (p.Arg611Thr)

Gene: MTRR (5-methyltetrahydrofolate-homocysteine methyltransferase reductase; plus strand). Cytogenetic location: 5p15.31.
Variant type: single nucleotide variant.
Coding change: c.1832G>C on transcript NM_002454.3 (MANE Select); coding-DNA position 1832, G replaced by C.
Protein change: p.Arg611Thr; replaces arginine 611 with threonine.
Molecular consequence: missense variant. On other transcripts: non-coding transcript variant (14).
Genome position (GRCh38, 1-based): chr5:7,897,127, G>C. VCF-style: chr5-7897127-G-C. GRCh37 (hg19) VCF-style: chr5-7897240-G-C.
Other names: c.1832G>C, p.Arg611Thr (NM_001364440.2, NM_001364441.2, NM_001364442.2 and 1 more transcripts); short protein forms R611T.
Identifiers: ClinVar variation 1053862 (VCV001053862.9), dbSNP rs2126814266, ClinGen allele CA359159790.
Genomic context (GRCh38, chr5:7,897,127, plus strand): 5'-AAGAGCTCAGACATTTCCTTAAGCATGGGATCTTAACTCATCTAAAGGTTTCCTTCTCAA[G>C]AGATGCTCCTGTTGGGGAGGAGGAAGCCCCAGCAAAGTATGTGCAAGACAACATCCAGCT-3'
Protein context (NP_002445.2, residues 601-621): ILTHLKVSFS[Arg611Thr]DAPVGEEEAP